The following is an entry in ClinVar:

ClinVar aggregate classification (germline): Uncertain significance. Review status: criteria provided, multiple submitters, no conflicts (2 of 4 stars). 2 submissions from 2 submitters: Uncertain significance (2). Last evaluated 2025-10-26.

Conditions:
Cardiovascular phenotype. Identifiers: MedGen CN230736.
Hereditary cancer-predisposing syndrome. Also called: Hereditary Cancer Syndrome; Hereditary neoplastic syndrome; Neoplastic Syndromes, Hereditary; Tumor predisposition. Identifiers: Orphanet 140162, MedGen C0027672, MeSH D009386, MONDO:0015356.

gnomAD v4.1: 1 of 1,613,258 alleles (0.000062%); highest among the groups gnomAD compares: Non-Finnish European, 0.000085%; no homozygotes.

Submissions (2):

Labcorp Genetics (formerly Invitae), Labcorp
Classification: Uncertain significance. Last evaluated: 2025-10-26. Review status: criteria provided, single submitter. Criteria: Invitae Variant Classification Sherloc (09022015). Collection method: clinical testing. Allele origin: germline.
Comment: This sequence change replaces glutamic acid, which is acidic and polar, with glutamine, which is neutral and polar, at codon 446 of the LZTR1 protein (p.Glu446Gln). This variant is not present in population databases (gnomAD no frequency). This variant has not been reported in the literature in individuals affected with LZTR1-related conditions. ClinVar contains an entry for this variant (Variation ID: 1770248). Invitae Evidence Modeling of protein sequence and biophysical properties (such as structural, functional, and spatial information, amino acid conservation, physicochemical variation, residue mobility, and thermodynamic stability) indicates that this missense variant is not expected to disrupt LZTR1 protein function with a negative predictive value of 80%. In summary, the available evidence is currently insufficient to determine the role of this variant in disease. Therefore, it has been classified as a Variant of Uncertain Significance.

Ambry Genetics
Classification: Uncertain significance for Cardiovascular phenotype; Hereditary cancer-predisposing syndrome. Last evaluated: 2022-05-21. Review status: criteria provided, single submitter. Criteria: Ambry Variant Classification Scheme 2023. Collection method: clinical testing. Allele origin: germline.
Comment: The p.E446Q variant (also known as c.1336G>C), located in coding exon 12 of the LZTR1 gene, results from a G to C substitution at nucleotide position 1336. The glutamic acid at codon 446 is replaced by glutamine, an amino acid with highly similar properties. This amino acid position is conserved. In addition, the in silico prediction for this alteration is inconclusive. Since supporting evidence is limited at this time, the clinical significance of this alteration remains unclear.

NM_006767.4(LZTR1):c.1336G>C (p.Glu446Gln)

Gene: LZTR1 (leucine zipper like post translational regulator 1; plus strand). Cytogenetic location: 22q11.21.
Variant type: single nucleotide variant.
Coding change: c.1336G>C on transcript NM_006767.4 (MANE Select); coding-DNA position 1336, G replaced by C.
Protein change: p.Glu446Gln; replaces glutamic acid 446 with glutamine.
Molecular consequence: missense variant.
Genome position (GRCh38, 1-based): chr22:20,993,737, G>C. VCF-style: chr22-20993737-G-C. GRCh37 (hg19) VCF-style: chr22-21348026-G-C.
Other names: short protein forms E446Q.
Identifiers: ClinVar variation 1770248 (VCV001770248.3), dbSNP rs1339837843, ClinGen allele CA410774673.